The following is an entry in ClinVar:

ClinVar aggregate classification (germline): Pathogenic (1 of 4 stars; one submission).

Conditions:
Multiple sulfatase deficiency (MSD). Also called: Mucosulfatidosis; Multiple Sulfatase Deficiency Disease; Sulfatidosis, Juvenile, Austin Type. Identifiers: Orphanet 585, MedGen C0268263, MONDO:0010088, OMIM 272200.

Submission:

Labcorp Genetics (formerly Invitae), Labcorp
Classification: Pathogenic for Multiple sulfatase deficiency. Last evaluated: 2021-11-15. Review status: criteria provided, single submitter. Criteria: Invitae Variant Classification Sherloc (09022015). Collection method: clinical testing. Allele origin: germline.
Comment: A gross deletion of the genomic region encompassing the full coding sequence of the SUMF1 gene has been identified. Loss-of-function variants in SUMF1 are known to be pathogenic (PMID: 12757705, 12757706, 25885655). The boundaries of this event are unknown as they extend beyond the assayed region for this gene and therefore may encompass additional genes. This variant has not been reported in the literature in individuals affected with SUMF1-related conditions. For these reasons, this variant has been classified as Pathogenic.

Literature cited by the submitters: PubMed 12757705; PubMed 12757706; PubMed 25885655.

NC_000003.11:g.(?_4403818)_(4508939_?)del

Gene: SUMF1 (sulfatase modifying factor 1; minus strand). Cytogenetic location: 3p26.1.
Variant type: Deletion.
Identifiers: ClinVar variation 1460004 (VCV001460004.1).